The following is an entry in ClinVar:

ClinVar aggregate classification (germline): Likely benign (1 of 4 stars; one submission).

Submission:

CeGaT Center for Human Genetics Tuebingen
Classification: Likely benign. Last evaluated: 2026-02-01. Review status: criteria provided, single submitter. Criteria: CeGaT Center For Human Genetics Tuebingen Variant Classification Criteria Version 2. Collection method: clinical testing. Allele origin: germline. Affected: yes. Observed: 1 variant allele.
Comment: CATSPER3: PM2:Supporting, BP4, BP7

NM_178019.3(CATSPER3):c.501C>A (p.Ile167=)

Gene: CATSPER3 (cation channel sperm associated 3; plus strand). Cytogenetic location: 5q31.1.
Variant type: single nucleotide variant.
Coding change: c.501C>A on transcript NM_178019.3 (MANE Select); coding-DNA position 501, C replaced by A.
Protein change: p.Ile167=; no amino-acid change (isoleucine 167 retained).
Molecular consequence: synonymous variant.
Genome position (GRCh38, 1-based): chr5:135,007,965, C>A. VCF-style: chr5-135007965-C-A. GRCh37 (hg19) VCF-style: chr5-134343655-C-A.
Identifiers: ClinVar variation 4822677 (VCV004822677.4).